The following is an entry in ClinVar:

ClinVar aggregate classification (germline): Pathogenic (1 of 4 stars; one submission).

Conditions:
Familial cancer of breast. Also called: hereditary breast carcinoma; Hereditary breast cancer; BREAST CANCER, FAMILIAL. Identifiers: Orphanet 227535, MedGen C0346153, MONDO:0016419, OMIM 114480. Disease mechanism: loss of function.

Submission:

Labcorp Genetics (formerly Invitae), Labcorp
Classification: Pathogenic for Familial cancer of breast. Last evaluated: 2022-07-19. Review status: criteria provided, single submitter. Criteria: Invitae Variant Classification Sherloc (09022015). Collection method: clinical testing. Allele origin: germline.
Comment: This variant is a gross deletion of the genomic region encompassing exon(s) 8-11 of the BARD1 gene, which includes the termination codon. This deletion extends beyond the assayed region for this gene and therefore may encompass additional genes. While this deletion is not anticipated to lead to nonsense mediated decay, it is expected to alter mRNA translation or result in a truncated protein product. This variant has not been reported in the literature in individuals affected with BARD1-related conditions. This variant disrupts the C-terminal BRCT domain of the BARD1 protein. The BRCT domains of BARD1 are required for the chromosome stability maintenance and homology-directed repair activity of the BARD1 protein (PMID: 17848578, 17550235, 26738429). While functional studies have not been performed to directly test the effect of this variant on BARD1 protein function, this suggests that disruption of this region of the protein is causative of disease. For these reasons, this variant has been classified as Pathogenic.

Literature cited by the submitters: PubMed 17848578; PubMed 17550235; PubMed 26738429.

NC_000002.11:g.(?_215593400)_(215610588_?)del

Gene: BARD1 (BRCA1 associated RING domain 1; minus strand). Cytogenetic location: 2q35.
Variant type: Deletion.
Identifiers: ClinVar variation 1076133 (VCV001076133.3).